The following is an entry in ClinVar:

NM_003079.5(SMARCE1):c.629G>A (p.Ser210Asn)

Gene: SMARCE1 (SWI/SNF related BAF chromatin remodeling complex subunit E1; minus strand). Cytogenetic location: 17q21.2.
Variant type: single nucleotide variant.
Coding change: c.629G>A on transcript NM_003079.5 (MANE Select); coding-DNA position 629, G replaced by A.
Protein change: p.Ser210Asn; replaces serine 210 with asparagine.
Molecular consequence: missense variant.
Genome position (GRCh38, 1-based): chr17:40,632,280, C>T on the plus strand (G>A on the coding strand, the complement: SMARCE1 is on the minus strand). VCF-style: chr17-40632280-C-T. GRCh37 (hg19) VCF-style: chr17-38788532-C-T.
Other names: short protein forms S210N.
Identifiers: ClinVar variation 3674260 (VCV003674260.2).

ClinVar aggregate classification (germline): Uncertain significance (1 of 4 stars; one submission).

Conditions:
Familial meningioma. Also called: Meningioma, familial, susceptibility to. Identifiers: Orphanet 263662, MedGen C3551915, MONDO:0011789, OMIM 607174.

gnomAD v4.1: 1 of 1,614,064 alleles (0.000062%); highest among the groups gnomAD compares: South Asian, 0.0011%; no homozygotes.

Submission:

Labcorp Genetics (formerly Invitae), Labcorp
Classification: Uncertain significance for Familial meningioma. Last evaluated: 2025-02-05. Review status: criteria provided, single submitter. Criteria: Invitae Variant Classification Sherloc (09022015). Collection method: clinical testing. Allele origin: germline.
Comment: This sequence change replaces serine, which is neutral and polar, with asparagine, which is neutral and polar, at codon 210 of the SMARCE1 protein (p.Ser210Asn). This variant is not present in population databases (gnomAD no frequency). This variant has not been reported in the literature in individuals affected with SMARCE1-related conditions. Invitae Evidence Modeling of protein sequence and biophysical properties (such as structural, functional, and spatial information, amino acid conservation, physicochemical variation, residue mobility, and thermodynamic stability) indicates that this missense variant is not expected to disrupt SMARCE1 protein function with a negative predictive value of 80%. In summary, the available evidence is currently insufficient to determine the role of this variant in disease. Therefore, it has been classified as a Variant of Uncertain Significance.